The following is an entry in ClinVar:

NM_014476.6(PDLIM3):c.725A>G (p.Asn242Ser)

Gene: PDLIM3 (PDZ and LIM domain 3; minus strand). Cytogenetic location: 4q35.1.
Variant type: single nucleotide variant.
Coding change: c.725A>G on transcript NM_014476.6 (MANE Select); coding-DNA position 725, A replaced by G.
Protein change: p.Asn242Ser; replaces asparagine 242 with serine.
Molecular consequence: missense variant. On other transcripts: non-coding transcript variant (1).
Genome position (GRCh38, 1-based): chr4:185,506,590, T>C on the plus strand (A>G on the coding strand, the complement: PDLIM3 is on the minus strand). VCF-style: chr4-185506590-T-C. GRCh37 (hg19) VCF-style: chr4-186427744-T-C.
Other names: c.581A>G, p.Asn194Ser (NM_001114107.5); c.461A>G, p.Asn154Ser (NM_001257962.2); c.224A>G, p.Asn75Ser (NM_001257963.2); short protein forms N75S, N154S, N194S, N242S.
Identifiers: ClinVar variation 945826 (VCV000945826.10), dbSNP rs780392840, ClinGen allele CA3159711.

ClinVar aggregate classification (germline): Uncertain significance (1 of 4 stars; one submission).

Conditions:
Hypertrophic cardiomyopathy. Also called: HYPERTROPHIC MYOCARDIOPATHY. Identifiers: Orphanet 217569, MedGen C0007194, MeSH D002312, MONDO:0005045, HP:0001639.
Primary dilated cardiomyopathy (DCM). Also called: Dilated Cardiomyopathy. Identifiers: Orphanet 217604, MedGen C0007193, MeSH D002311, MONDO:0005021, HP:0001644. Inheritance: Various modes of inheritance.

Allele frequency attached by ClinVar (database versions not stated): gnomAD exomes 0.00001; ExAC 0.00002.
gnomAD v4.1: 3 of 1,612,610 alleles (0.00019%); highest among the groups gnomAD compares: Admixed American, 0.0033%; no homozygotes.

Submission:

Labcorp Genetics (formerly Invitae), Labcorp
Classification: Uncertain significance for Hypertrophic cardiomyopathy; Primary dilated cardiomyopathy. Last evaluated: 2020-01-27. Review status: criteria provided, single submitter. Criteria: Invitae Variant Classification Sherloc (09022015). Collection method: clinical testing. Allele origin: germline.
Comment: Algorithms developed to predict the effect of missense changes on protein structure and function (SIFT, PolyPhen-2, Align-GVGD) all suggest that this variant is likely to be tolerated, but these predictions have not been confirmed by published functional studies and their clinical significance is uncertain. In summary, the available evidence is currently insufficient to determine the role of this variant in disease. Therefore, it has been classified as a Variant of Uncertain Significance. Algorithms developed to predict the effect of sequence changes on RNA splicing suggest that this variant may create or strengthen a splice site, but this prediction has not been confirmed by published transcriptional studies. This variant has not been reported in the literature in individuals with PDLIM3-related conditions. This variant is present in population databases (rs780392840, ExAC 0.02%). This sequence change replaces asparagine with serine at codon 242 of the PDLIM3 protein (p.Asn242Ser). The asparagine residue is moderately conserved and there is a small physicochemical difference between asparagine and serine.